The following is an entry in ClinVar:

ClinVar aggregate classification (germline): Uncertain significance. Review status: criteria provided, multiple submitters, no conflicts (2 of 4 stars). 2 submissions from 2 submitters: Uncertain significance (2). Last evaluated 2025-03-01.

Conditions:
Chédiak-Higashi syndrome (CHS). Also called: Chediak-Higashi Syndrome. Identifiers: Orphanet 167, MedGen C0007965, MONDO:0008963, OMIM 214500.
LYST-related disorder. Also called: LYST-related condition.

gnomAD v4.1: 1 of 1,613,948 alleles (0.000062%); highest among the groups gnomAD compares: African/African-American, 0.0013%; no homozygotes.

Submissions (2):

PreventionGenetics, part of Exact Sciences
Classification: Uncertain significance for LYST-related condition. Last evaluated: 2025-03-01. Review status: criteria provided, single submitter. Criteria: ACMG Guidelines, 2015. Collection method: clinical testing. Allele origin: germline.
Comment: The LYST c.1484T>C variant is predicted to result in the amino acid substitution p.Met495Thr. To our knowledge, this variant has not been reported in the literature or in a large population database (gnomAD), indicating this variant is rare. At the time of reporting this variant is absent in ClinVar. At this time, the clinical significance of this variant is uncertain due to the absence of conclusive functional and genetic evidence.

Labcorp Genetics (formerly Invitae), Labcorp
Classification: Uncertain significance for Chédiak-Higashi syndrome. Last evaluated: 2025-01-07. Review status: criteria provided, single submitter. Criteria: Invitae Variant Classification Sherloc (09022015). Collection method: clinical testing. Allele origin: germline.
Comment: This sequence change replaces methionine, which is neutral and non-polar, with threonine, which is neutral and polar, at codon 495 of the LYST protein (p.Met495Thr). This variant is not present in population databases (gnomAD no frequency). This variant has not been reported in the literature in individuals affected with LYST-related conditions. Invitae Evidence Modeling of protein sequence and biophysical properties (such as structural, functional, and spatial information, amino acid conservation, physicochemical variation, residue mobility, and thermodynamic stability) indicates that this missense variant is not expected to disrupt LYST protein function with a negative predictive value of 80%. In summary, the available evidence is currently insufficient to determine the role of this variant in disease. Therefore, it has been classified as a Variant of Uncertain Significance.

NM_000081.4(LYST):c.1484T>C (p.Met495Thr)

Gene: LYST (lysosomal trafficking regulator; minus strand). Cytogenetic location: 1q42.3.
Variant type: single nucleotide variant.
Coding change: c.1484T>C on transcript NM_000081.4 (MANE Select); coding-DNA position 1484, T replaced by C.
Protein change: p.Met495Thr; replaces methionine 495 with threonine.
Molecular consequence: missense variant.
Genome position (GRCh38, 1-based): chr1:235,809,334, A>G on the plus strand (T>C on the coding strand, the complement: LYST is on the minus strand). VCF-style: chr1-235809334-A-G. GRCh37 (hg19) VCF-style: chr1-235972634-A-G.
Other names: c.1484T>C, p.Met495Thr (NM_001301365.1); short protein forms M495T.
Identifiers: ClinVar variation 3672459 (VCV003672459.3).